The following is an entry in ClinVar:

ClinVar aggregate classification (germline): Uncertain significance. Review status: criteria provided, multiple submitters, no conflicts (2 of 4 stars). 2 submissions from 2 submitters: Uncertain significance (2). Last evaluated 2026-07-13.

Conditions:
Hereditary cancer-predisposing syndrome. Also called: Neoplastic Syndromes, Hereditary; Hereditary Cancer Syndrome; Tumor predisposition; Hereditary neoplastic syndrome. Identifiers: Orphanet 140162, MedGen C0027672, MeSH D009386, MONDO:0015356.
Tuberous sclerosis 2 (TSC2). Identifiers: Orphanet 805, MedGen C1860707, MONDO:0013199, OMIM 613254.

gnomAD v4.1: 1 of 1,612,838 alleles (0.000062%); highest among the groups gnomAD compares: Non-Finnish European, 0.000085%; no homozygotes.

Submissions (2):

Ambry Genetics
Classification: Uncertain significance for Hereditary cancer-predisposing syndrome. Last evaluated: 2026-07-13. Review status: criteria provided, single submitter. Criteria: Ambry Variant Classification Scheme 2023. Collection method: clinical testing. Allele origin: germline.
Comment: The p.L1578V variant (also known as c.4732C>G), located in coding exon 36 of the TSC2 gene, results from a C to G substitution at nucleotide position 4732. The leucine at codon 1578 is replaced by valine, an amino acid with highly similar properties. This amino acid position is highly conserved in available vertebrate species. In addition, this alteration is predicted to be deleterious by in silico analysis. Based on the available evidence, the clinical significance of this variant remains unclear.

Labcorp Genetics (formerly Invitae), Labcorp
Classification: Uncertain significance for Tuberous sclerosis 2. Last evaluated: 2021-08-31. Review status: criteria provided, single submitter. Criteria: Invitae Variant Classification Sherloc (09022015). Collection method: clinical testing. Allele origin: germline.
Comment: This sequence change replaces leucine with valine at codon 1578 of the TSC2 protein (p.Leu1578Val). The leucine residue is highly conserved and there is a small physicochemical difference between leucine and valine. This variant is not present in population databases (ExAC no frequency). This variant has not been reported in the literature in individuals affected with TSC2-related conditions. Algorithms developed to predict the effect of missense changes on protein structure and function are either unavailable or do not agree on the potential impact of this missense change (SIFT: "Deleterious"; PolyPhen-2: "Probably Damaging"; Align-GVGD: "Class C0"). In summary, the available evidence is currently insufficient to determine the role of this variant in disease. Therefore, it has been classified as a Variant of Uncertain Significance.

NM_000548.5(TSC2):c.4732C>G (p.Leu1578Val)

Gene: TSC2 (TSC complex subunit 2; plus strand). Cytogenetic location: 16p13.3.
Variant type: single nucleotide variant.
Coding change: c.4732C>G on transcript NM_000548.5 (MANE Select); coding-DNA position 4732, C replaced by G.
Protein change: p.Leu1578Val; replaces leucine 1578 with valine.
Molecular consequence: missense variant.
Genome position (GRCh38, 1-based): chr16:2,086,262, C>G. VCF-style: chr16-2086262-C-G. GRCh37 (hg19) VCF-style: chr16-2136263-C-G.
Other names: c.4531C>G, p.Leu1511Val (NM_001077183.3); c.4663C>G, p.Leu1555Val (NM_001114382.3); c.4423C>G, p.Leu1475Val (NM_001318827.2); c.4387C>G, p.Leu1463Val (NM_001318829.2); c.4000C>G, p.Leu1334Val (NM_001318831.2); c.4564C>G, p.Leu1522Val (NM_001318832.2); c.4534C>G, p.Leu1512Val (NM_001363528.2); c.4600C>G, p.Leu1534Val (NM_001370404.1); and 1 more; short protein forms L1534V, L1555V, L1463V, L1522V, L1578V, L1334V, L1475V, L1511V.
Identifiers: ClinVar variation 940488 (VCV000940488.9), dbSNP rs917807471, ClinGen allele CA394307582.